The following is an entry in ClinVar:

ClinVar aggregate classification (germline): Benign (1 of 4 stars; one submission).

Conditions:
MELAS syndrome (MELAS). Also called: Juvenile myopathy, encephalopathy, lactic acidosis, stroke. Identifiers: Orphanet 550, MedGen C0162671, MONDO:0010789, OMIM 540000.

Submission:

Wong Mito Lab, Molecular and Human Genetics, Baylor College of Medicine
Classification: Benign for MELAS syndrome. Last evaluated: 2019-07-12. Review status: criteria provided, single submitter. Criteria: Modified ACMG Guidelines (Unpublished). Collection method: clinical testing. Allele origin: germline.
Comment: The NC_012920.1:m.5557T>C variant in MT-TW gene is interpreted to be a Benign variant based on the modified ACMG guidelines (unpublished). This variant meets the following evidence codes reported in the guidelines: BS1, BS4, BP4

Literature cited by the submitters: PubMed 31965079.

NC_012920.1(MT-TW):m.5557T>C

Gene: MT-TW (mitochondrially encoded tRNA tryptophan; plus strand).
Variant type: single nucleotide variant.
Genome position: chrM-5557-T-C.
Identifiers: ClinVar variation 689940 (VCV000689940.1), dbSNP rs1603220022, ClinGen allele CA913179855.